The following is an entry in ClinVar:

NM_080425.4(GNAS):c.657C>T (p.Pro219=)

Gene: GNAS (GNAS complex locus; plus strand). Cytogenetic location: 20q13.32.
Variant type: single nucleotide variant.
Coding change: c.657C>T on transcript NM_080425.4 (MANE Plus Clinical); coding-DNA position 657, C replaced by T.
Protein change: p.Pro219=; no amino-acid change (proline 219 retained).
Molecular consequence: synonymous variant. On other transcripts: missense variant (2), intron variant (3).
Genome position (GRCh38, 1-based): chr20:58,853,922, C>T. VCF-style: chr20-58853922-C-T. GRCh37 (hg19) VCF-style: chr20-57428977-C-T.
Other names: c.470C>T, p.Pro157Leu (NM_001077490.3, NM_001309883.1); c.657C>T, p.Pro219= (NM_001410913.1); c.*42+13036C>T (NM_016592.5); c.43+13036C>T (NM_001410912.1); c.-39+12047C>T (NM_001309861.2); short protein forms P157L.
Identifiers: ClinVar variation 252519 (VCV000252519.6), dbSNP rs752004692, ClinGen allele CA9926515.

ClinVar aggregate classification (germline): Uncertain significance. Review status: criteria provided, single submitter (1 of 4 stars). 2 submissions from 2 submitters: Uncertain significance (1). 1 of the submissions does not count toward it. Last evaluated 2015-08-24.

Conditions:
GNAS-related disorder. Identifiers: MedGen CN380105.

Allele frequency attached by ClinVar (database versions not stated): TOPMed 0.00010.
gnomAD v4.1: 269 of 1,610,250 alleles (0.017%); highest among the groups gnomAD compares: Non-Finnish European, 0.022%; no homozygotes.

Submissions (2):

Genomic Diagnostic Laboratory, Division of Genomic Diagnostics, Children's Hospital of Philadelphia
Classification: Uncertain significance. Last evaluated: 2015-08-24. Review status: criteria provided, single submitter. Criteria: DGD Variant Analysis Guidelines. Collection method: clinical testing. Allele origin: unknown.

PreventionGenetics, part of Exact Sciences
Classification: Likely benign for GNAS-related condition. Last evaluated: 2019-08-27. Review status: no assertion criteria provided. Collection method: clinical testing. Allele origin: germline. Not counted in ClinVar's aggregate classification.
Comment: This variant is classified as likely benign based on ACMG/AMP sequence variant interpretation guidelines (Richards et al. 2015 PMID: 25741868, with internal and published modifications).